The following is an entry in ClinVar:

NM_000548.5(TSC2):c.4534G>A (p.Asp1512Asn)

Gene: TSC2 (TSC complex subunit 2; plus strand). Cytogenetic location: 16p13.3.
Variant type: single nucleotide variant.
Coding change: c.4534G>A on transcript NM_000548.5 (MANE Select); coding-DNA position 4534, G replaced by A.
Protein change: p.Asp1512Asn; replaces aspartic acid 1512 with asparagine.
Molecular consequence: missense variant.
Genome position (GRCh38, 1-based): chr16:2,084,991, G>A. VCF-style: chr16-2084991-G-A. GRCh37 (hg19) VCF-style: chr16-2134992-G-A.
Other names: c.4333G>A, p.Asp1445Asn (NM_001077183.3); c.4465G>A, p.Asp1489Asn (NM_001114382.3); c.4225G>A, p.Asp1409Asn (NM_001318827.2); c.4189G>A, p.Asp1397Asn (NM_001318829.2); c.3802G>A, p.Asp1268Asn (NM_001318831.2); c.4366G>A, p.Asp1456Asn (NM_001318832.2); c.4336G>A, p.Asp1446Asn (NM_001363528.2); c.4402G>A, p.Asp1468Asn (NM_001370404.1); and 1 more; short protein forms D1512N, D1397N, D1445N, D1446N, D1456N, D1468N, D1469N, D1268N.
Identifiers: ClinVar variation 405960 (VCV000405960.26), dbSNP rs774441486, ClinGen allele CA16614792.

ClinVar aggregate classification (germline): Conflicting classifications of pathogenicity. Review status: criteria provided, conflicting classifications (1 of 4 stars). 8 submissions from 8 submitters: Uncertain significance (4); Benign (1); Likely benign (3). Last evaluated 2026-01-31.

Conditions:
Hereditary cancer-predisposing syndrome. Also called: Tumor predisposition; Neoplastic Syndromes, Hereditary; Hereditary Cancer Syndrome; Hereditary neoplastic syndrome. Identifiers: Orphanet 140162, MedGen C0027672, MeSH D009386, MONDO:0015356.
Tuberous sclerosis syndrome (TSC). Also called: Tuberous Sclerosis Complex; Tuberous sclerosis. Identifiers: Orphanet 805, MedGen C0041341, MONDO:0001734.
Tuberous sclerosis 2 (TSC2). Identifiers: Orphanet 805, MedGen C1860707, MONDO:0013199, OMIM 613254.

Allele frequency attached by ClinVar (database versions not stated): gnomAD 0.00001; TOPMed 0.00001.
gnomAD v4.1: 11 of 1,613,136 alleles (0.00068%); highest among the groups gnomAD compares: South Asian, 0.0022%; no homozygotes.

Submissions (8):

Labcorp Genetics (formerly Invitae), Labcorp
Classification: Benign for Tuberous sclerosis 2. Last evaluated: 2026-01-31. Review status: criteria provided, single submitter. Criteria: Invitae Variant Classification Sherloc (09022015). Collection method: clinical testing. Allele origin: germline.

Quest Diagnostics Nichols Institute San Juan Capistrano
Classification: Uncertain significance. Last evaluated: 2025-09-26. Review status: criteria provided, single submitter. Criteria: Quest Diagnostics criteria. Collection method: clinical testing. Allele origin: unknown.

Ambry Genetics
Classification: Likely benign for Hereditary cancer-predisposing syndrome. Last evaluated: 2025-01-13. Review status: criteria provided, single submitter. Criteria: Ambry Variant Classification Scheme 2023. Collection method: clinical testing. Allele origin: germline.

All of Us Research Program, National Institutes of Health
Classification: Uncertain significance for Tuberous sclerosis syndrome. Last evaluated: 2024-05-14. Review status: criteria provided, single submitter. Criteria: ACMG Guidelines, 2015. Collection method: clinical testing. Allele origin: germline. Inheritance: Autosomal dominant inheritance. Observed: 7 variant alleles, 7 heterozygotes.
Comment: This missense variant replaces aspartic acid with asparagine at codon 1512 of the TSC2 protein. Computational prediction suggests that this variant may not impact protein structure and function (internally defined REVEL score threshold <= 0.5, PMID: 27666373). To our knowledge, functional studies have not been reported for this variant. This variant has not been reported in individuals affected with tuberous sclerosis complex in the literature. This variant has been identified in 3/250300 chromosomes in the general population by the Genome Aggregation Database (gnomAD). The available evidence is insufficient to determine the role of this variant in disease conclusively. Therefore, this variant is classified as a Variant of Uncertain Significance.

This study involves interpretation of variants in research participants for the purpose of population health screening. Participant phenotype was not available at the time of variant classification. Additional details can be found in publication PMID: 35346344, PMCID: PMC8962531

Color Diagnostics, LLC DBA Color Health
Classification: Uncertain significance for Tuberous sclerosis syndrome. Last evaluated: 2024-04-24. Review status: criteria provided, single submitter. Criteria: ACMG Guidelines, 2015. Collection method: clinical testing. Allele origin: germline.
Comment: This missense variant replaces aspartic acid with asparagine at codon 1512 of the TSC2 protein. Computational prediction suggests that this variant may not impact protein structure and function. To our knowledge, functional studies have not been reported for this variant. This variant has not been reported in individuals affected with tuberous sclerosis complex in the literature. This variant has been identified in 3/250300 chromosomes in the general population by the Genome Aggregation Database (gnomAD). The available evidence is insufficient to determine the role of this variant in disease conclusively. Therefore, this variant is classified as a Variant of Uncertain Significance.

Genome-Nilou Lab
Classification: Likely benign for Tuberous sclerosis 2. Last evaluated: 2021-11-07. Review status: criteria provided, single submitter. Criteria: ACMG Guidelines, 2015. Collection method: clinical testing. Allele origin: germline. Affected: no.

GeneDx
Classification: Likely benign. Last evaluated: 2021-04-07. Review status: criteria provided, single submitter. Criteria: GeneDx Variant Classification Process June 2021. Collection method: clinical testing. Allele origin: germline. Affected: yes.

Molecular Genetics of Inherited Kidney Disorders Laboratory, Garvan Institute of Medical Research
Classification: Uncertain significance. Last evaluated: 2019-01-01. Review status: criteria provided, single submitter. Criteria: ACMG Guidelines, 2015. Collection method: clinical testing. Allele origin: germline. Affected: yes.